The following is an entry in ClinVar:

ClinVar aggregate classification (germline): Uncertain significance (1 of 4 stars; one submission).

Conditions:
RASopathy. Also called: rasopathies; Noonan spectrum disorder. Identifiers: Orphanet 536391, MedGen C5555857, MONDO:0021060.

Submission:

Labcorp Genetics (formerly Invitae), Labcorp
Classification: Uncertain significance for RASopathy. Last evaluated: 2024-02-24. Review status: criteria provided, single submitter. Criteria: Invitae Variant Classification Sherloc (09022015). Collection method: clinical testing. Allele origin: germline.
Comment: This sequence change falls in intron 13 of the CBL gene. It does not directly change the encoded amino acid sequence of the CBL protein. It affects a nucleotide within the consensus splice site. This variant is not present in population databases (gnomAD no frequency). This variant has not been reported in the literature in individuals affected with CBL-related conditions. ClinVar contains an entry for this variant (Variation ID: 2019640). Variants that disrupt the consensus splice site are a relatively common cause of aberrant splicing (PMID: 17576681, 9536098). Algorithms developed to predict the effect of sequence changes on RNA splicing suggest that this variant may disrupt the consensus splice site. In summary, the available evidence is currently insufficient to determine the role of this variant in disease. Therefore, it has been classified as a Variant of Uncertain Significance.

Literature cited by the submitters: PubMed 17576681; PubMed 9536098.

NM_005188.4(CBL):c.2153+5G>C

Gene: CBL (Cbl proto-oncogene; plus strand). Cytogenetic location: 11q23.3.
Variant type: single nucleotide variant.
Coding change: c.2153+5G>C on transcript NM_005188.4 (MANE Select); 5 bases into the intron after coding-DNA position 2153, G replaced by C.
Molecular consequence: intron variant.
Genome position (GRCh38, 1-based): chr11:119,297,039, G>C. VCF-style: chr11-119297039-G-C. GRCh37 (hg19) VCF-style: chr11-119167749-G-C.
Identifiers: ClinVar variation 2019640 (VCV002019640.4), dbSNP rs2496971214, ClinGen allele CA2580083734.